The following is an entry in ClinVar:

NM_003320.5(TUB):c.49G>A (p.Glu17Lys)

Gene: TUB (TUB bipartite transcription factor; plus strand). Cytogenetic location: 11p15.4.
Variant type: single nucleotide variant.
Coding change: c.49G>A on transcript NM_003320.5; coding-DNA position 49, G replaced by A.
Protein change: p.Glu17Lys; replaces glutamic acid 17 with lysine.
Molecular consequence: missense variant. On other transcripts: intron variant (4).
Genome position (GRCh38, 1-based): chr11:8,038,922, G>A. VCF-style: chr11-8038922-G-A. GRCh37 (hg19) VCF-style: chr11-8060469-G-A.
Other names: c.56+19564G>A (NM_001440538.1, NM_001440539.1, NM_001440540.1 and 1 more transcripts); short protein forms E17K.
Identifiers: ClinVar variation 956554 (VCV000956554.11), dbSNP rs144469939, ClinGen allele CA217427776.

ClinVar aggregate classification (germline): Uncertain significance. Review status: criteria provided, multiple submitters, no conflicts (2 of 4 stars). 3 submissions from 3 submitters: Uncertain significance (3). Last evaluated 2026-02-18.

Conditions:
TUB-related disorder. Also called: TUB-related condition.

Allele frequency attached by ClinVar (database versions not stated): gnomAD 0.00003 and 0.00004; TOPMed 0.00002; gnomAD exomes 0.00003; ESP Exome Variant Server 0.00008.
gnomAD v4.1: 48 of 1,613,750 alleles (0.003%); highest among the groups gnomAD compares: Middle Eastern, 0.016%; no homozygotes.

Submissions (3):

PreventionGenetics, part of Exact Sciences
Classification: Uncertain significance for TUB-related condition. Last evaluated: 2026-02-18. Review status: criteria provided, single submitter. Criteria: ACMG Guidelines, 2015. Collection method: clinical testing. Allele origin: germline.
Comment: The TUB c.49G>A variant is predicted to result in the amino acid substitution p.Glu17Lys. To our knowledge, this variant has not been reported in the literature. This variant is reported in 0.0070% of alleles in individuals of European (Non-Finnish) descent in gnomAD. At this time, the clinical significance of this variant is uncertain due to the absence of conclusive functional and genetic evidence.

Blueprint Genetics
Classification: Uncertain significance. Last evaluated: 2023-02-09. Review status: criteria provided, single submitter. Criteria: ACMG Guidelines, 2015. Collection method: clinical testing. Allele origin: germline.

Labcorp Genetics (formerly Invitae), Labcorp
Classification: Uncertain significance. Last evaluated: 2022-03-25. Review status: criteria provided, single submitter. Criteria: Invitae Variant Classification Sherloc (09022015). Collection method: clinical testing. Allele origin: germline.
Comment: This sequence change replaces glutamic acid, which is acidic and polar, with lysine, which is basic and polar, at codon 17 of the TUB protein (p.Glu17Lys). This variant is present in population databases (rs144469939, gnomAD 0.006%). This variant has not been reported in the literature in individuals affected with TUB-related conditions. ClinVar contains an entry for this variant (Variation ID: 956554). Algorithms developed to predict the effect of missense changes on protein structure and function output the following: SIFT: "Tolerated"; PolyPhen-2: "Benign"; Align-GVGD: "Class C0". The lysine amino acid residue is found in multiple mammalian species, which suggests that this missense change does not adversely affect protein function. In summary, the available evidence is currently insufficient to determine the role of this variant in disease. Therefore, it has been classified as a Variant of Uncertain Significance.